The following is an entry in ClinVar:

NM_000051.4(ATM):c.7753A>G (p.Lys2585Glu)

Genes: ATM (ATM serine/threonine kinase; plus strand), C11orf65 (chromosome 11 open reading frame 65; minus strand). Cytogenetic location: 11q22.3.
Variant type: single nucleotide variant.
Coding change: c.7753A>G on transcript NM_000051.4 (MANE Select); coding-DNA position 7753, A replaced by G.
Protein change: p.Lys2585Glu; replaces lysine 2585 with glutamic acid.
Molecular consequence: missense variant. On other transcripts: intron variant (2).
Genome position (GRCh38, 1-based): chr11:108,332,002, A>G. VCF-style: chr11-108332002-A-G. GRCh37 (hg19) VCF-style: chr11-108202729-A-G.
Other names: c.7753A>G, p.Lys2585Glu (NM_001351834.2); c.641-22931T>C (NM_001330368.2); c.*38+3218T>C (NM_001351110.2); short protein forms K2585E.
Identifiers: ClinVar variation 968821 (VCV000968821.7), dbSNP rs2086308918, ClinGen allele CA382561149.
Genomic context (GRCh38, chr11:108,332,002, plus strand): 5'-AATGCAAACAGAGATGAATTTCTGACTAAACCAGAGGTAGCCAGAAGAAGCAGAATAACT[A>G]AAAATGTGCCTAAACAAAGCTCTCAGCTTGATGAGGTATTTGGATTAAACATACGTACCT-3'
Protein context (NP_000042.3, residues 2575-2595): PEVARRSRIT[Lys2585Glu]NVPKQSSQLD

ClinVar aggregate classification (germline): Uncertain significance (1 of 4 stars; one submission).

Conditions:
Ataxia-telangiectasia syndrome (AT). Also called: Ataxia-telangiectasia, complementation group D; AT, COMPLEMENTATION GROUP C; ATAXIA-TELANGIECTASIA, COMPLEMENTATION GROUP A; ATAXIA-TELANGIECTASIA, FRESNO VARIANT; Ataxia-telangiectasia; Ataxia telangiectasia (A-T). Identifiers: Orphanet 100, MedGen C0004135, MONDO:0008840, OMIM 208900.

Submission:

Labcorp Genetics (formerly Invitae), Labcorp
Classification: Uncertain significance for Ataxia-telangiectasia syndrome. Last evaluated: 2021-08-28. Review status: criteria provided, single submitter. Criteria: Invitae Variant Classification Sherloc (09022015). Collection method: clinical testing. Allele origin: germline.
Comment: This sequence change replaces lysine with glutamic acid at codon 2585 of the ATM protein (p.Lys2585Glu). The lysine residue is moderately conserved and there is a small physicochemical difference between lysine and glutamic acid. This variant is not present in population databases (ExAC no frequency). This variant has not been reported in the literature in individuals affected with ATM-related conditions. Algorithms developed to predict the effect of missense changes on protein structure and function (SIFT, PolyPhen-2, Align-GVGD) all suggest that this variant is likely to be tolerated. In summary, the available evidence is currently insufficient to determine the role of this variant in disease. Therefore, it has been classified as a Variant of Uncertain Significance.